The following is an entry in ClinVar:

ClinVar aggregate classification (germline): Benign/Likely benign. Review status: criteria provided, multiple submitters, no conflicts (2 of 4 stars). 7 submissions from 7 submitters: Benign (5); Likely benign (1). 1 of the submissions does not count toward it. Last evaluated 2026-02-04.

Conditions:
MHC class II deficiency. Also called: Bare lymphocyte syndrome 2; BLS, TYPE II. Identifiers: Orphanet 572, MedGen C5447452, MONDO:0008855.

Allele frequency attached by ClinVar (database versions not stated): 1000 Genomes Project 30x 0.03857; TOPMed 0.06086; ExAC 0.06374; 1000 Genomes Project 0.03974; gnomAD 0.06150 and 0.06264; ESP Exome Variant Server 0.06666.
gnomAD v4.1: 122,162 of 1,613,572 alleles (7.6%); highest among the groups gnomAD compares: Middle Eastern, 9.8%; 5,076 homozygotes.

Submissions (7):

Labcorp Genetics (formerly Invitae), Labcorp
Classification: Benign for MHC class II deficiency. Last evaluated: 2026-02-04. Review status: criteria provided, single submitter. Criteria: Invitae Variant Classification Sherloc (09022015). Collection method: clinical testing. Allele origin: germline.

Women's Health and Genetics/Laboratory Corporation of America, LabCorp
Classification: Likely benign. Last evaluated: 2026-01-21. Review status: criteria provided, single submitter. Criteria: LabCorp Variant Classification Summary - May 2015. Collection method: clinical testing. Allele origin: germline.

Genome-Nilou Lab
Classification: Benign for MHC class II deficiency 1. Last evaluated: 2021-07-10. Review status: criteria provided, single submitter. Criteria: ACMG Guidelines, 2015. Collection method: clinical testing. Allele origin: germline. Affected: no.

Illumina Laboratory Services, Illumina
Classification: Benign for MHC class II deficiency 1. Last evaluated: 2018-01-13. Review status: criteria provided, single submitter. Criteria: ICSL Variant Classification Criteria 13 December 2019. Collection method: clinical testing. Allele origin: germline.
Comment: This variant was observed in the ICSL laboratory as part of a predisposition screen in an ostensibly healthy population. It had not been previously curated by ICSL or reported in the Human Gene Mutation Database (HGMD: prior to June 1st, 2018), and was therefore a candidate for classification through an automated scoring system. Utilizing variant allele frequency, disease prevalence and penetrance estimates, and inheritance mode, an automated score was calculated to assess if this variant is too frequent to cause the disease. Based on the score and internal cut-off values, a variant classified as benign is not then subjected to further curation. The score for this variant resulted in a classification of benign for this disease.

Laboratory for Molecular Medicine, Mass General Brigham Personalized Medicine
Classification: Benign. Last evaluated: 2016-03-28. Review status: criteria provided, single submitter. Criteria: LMM Criteria. Collection method: clinical testing. Allele origin: germline.
Comment: Variant identified in a genome or exome case(s) and assessed due to predicted null impact of the variant or pathogenic assertions in the literature or databases. Disclaimer: This variant has not undergone full assessment. The following are preliminary notes: Frequency

Breakthrough Genomics
Classification: Benign. Review status: criteria provided, single submitter. Criteria: ACMG Guidelines, 2015. Collection method: not provided. Allele origin: germline. Inheritance: Autosomal recessive inheritance. Affected: yes.

Natera, Inc.
Classification: Benign for Bare lymphocyte syndrome type II. Last evaluated: 2020-09-16. Review status: no assertion criteria provided. Collection method: clinical testing. Allele origin: germline. Not counted in ClinVar's aggregate classification.

NM_000246.4(CIITA):c.2342C>T (p.Ser781Leu)

Gene: CIITA (class II major histocompatibility complex transactivator; plus strand). Cytogenetic location: 16p13.13.
Variant type: single nucleotide variant.
Coding change: c.2342C>T on transcript NM_000246.4 (MANE Select); coding-DNA position 2342, C replaced by T.
Protein change: p.Ser781Leu; replaces serine 781 with leucine.
Molecular consequence: missense variant. On other transcripts: intron variant (1).
Genome position (GRCh38, 1-based): chr16:10,907,834, C>T. VCF-style: chr16-10907834-C-T. GRCh37 (hg19) VCF-style: chr16-11001691-C-T.
Other names: c.2345C>T, p.Ser782Leu (NM_001286402.1, NM_001379332.1); c.2198C>T, p.Ser733Leu (NM_001379330.1); c.2195C>T, p.Ser732Leu (NM_001379331.1); c.2342C>T, p.Ser781Leu (NM_001379333.1); c.2273C>T, p.Ser758Leu (NM_001379334.1); c.860-1149C>T (NM_001286403.2); short protein forms S781L, S782L, S732L, S733L, S758L.
Identifiers: ClinVar variation 317708 (VCV000317708.22), dbSNP rs13330686, ClinGen allele CA7900355.